The following is an entry in ClinVar:

ClinVar aggregate classification (germline): Likely benign. Review status: criteria provided, multiple submitters, no conflicts (2 of 4 stars). 2 submissions from 2 submitters: Likely benign (2). Last evaluated 2026-07-28.

Conditions:
Hereditary pheochromocytoma and paraganglioma. Also called: Hereditary pheochromocytoma-paraganglioma; Hereditary paragangliomas and pheochromocytomas; Hereditary Paraganglioma-Pheochromocytoma Syndromes. Identifiers: Orphanet 29072, MedGen C4274332, MONDO:0017366.

gnomAD v4.1: 1 of 1,612,282 alleles (0.000062%); highest among the groups gnomAD compares: Non-Finnish European, 0.000085%; no homozygotes.

Submissions (2):

Myriad Genetics, Inc.
Classification: Likely benign for Hereditary pheochromocytoma and paraganglioma. Last evaluated: 2026-07-28. Review status: criteria provided, single submitter. Criteria: Myriad Autosomal Dominant, Autosomal Recessive and X-Linked Classification Criteria (2023). Collection method: clinical testing. Allele origin: unknown.
Comment: This variant is considered likely benign. This variant is intronic and is not expected to impact mRNA splicing.

Labcorp Genetics (formerly Invitae), Labcorp
Classification: Likely benign for Hereditary pheochromocytoma and paraganglioma. Last evaluated: 2025-12-23. Review status: criteria provided, single submitter. Criteria: Invitae Variant Classification Sherloc (09022015). Collection method: clinical testing. Allele origin: germline.

NM_017849.4(TMEM127):c.244+7G>T

Gene: TMEM127 (transmembrane protein 127; minus strand). Cytogenetic location: 2q11.2.
Variant type: single nucleotide variant.
Coding change: c.244+7G>T on transcript NM_017849.4 (MANE Select); 7 bases into the intron after coding-DNA position 244, G replaced by T.
Molecular consequence: intron variant.
Genome position (GRCh38, 1-based): chr2:96,265,131, C>A on the plus strand (G>T on the coding strand, the complement: TMEM127 is on the minus strand). VCF-style: chr2-96265131-C-A. GRCh37 (hg19) VCF-style: chr2-96930869-C-A.
Other names: c.244+7G>T (NM_001193304.3).
Identifiers: ClinVar variation 735780 (VCV000735780.11), dbSNP rs1573977543, ClinGen allele CA915944081.